The following is an entry in ClinVar:

NC_012920.1(MT-ATP6):m.8744T>C

Gene: MT-ATP6 (mitochondrially encoded ATP synthase 6; plus strand).
Variant type: single nucleotide variant.
Genome position: chrM-8744-T-C.
Identifiers: ClinVar variation 692971 (VCV000692971.1), dbSNP rs1603221756, ClinGen allele CA414797803.

ClinVar aggregate classification (germline): Uncertain significance (1 of 4 stars; one submission).

Conditions:
Leigh syndrome (NULS). Also called: Leigh's necrotizing encephalopathy; Leigh's disease; Leigh Syndrome (mtDNA deletion); Leigh Disease; Subacute necrotizing encephalopathy; Necrotizing encephalopathy infantile subacute of Leigh. Identifiers: Orphanet 506, MedGen C2931891, MONDO:0009723, OMIM 256000.

Submission:

Wong Mito Lab, Molecular and Human Genetics, Baylor College of Medicine
Classification: Uncertain significance for Leigh syndrome. Last evaluated: 2019-10-17. Review status: criteria provided, single submitter. Criteria: Modified ACMG Guidelines (Unpublished). Collection method: clinical testing. Allele origin: germline.
Comment: The NC_012920.1:m.8744T>C (YP_003024031.1:p.Val73Ala) variant in MTATP6 gene is interpretated to be a Uncertain Significance variant based on the modified ACMG guidelines (unpublished). This variant meets the following evidence codes: PP6, BP4